The following is an entry in ClinVar:

NM_001267550.2(TTN):c.81059G>A (p.Trp27020Ter)

Genes: TTN-AS1 (TTN antisense RNA 1; plus strand), TTN (titin; minus strand). Cytogenetic location: 2q31.2.
Variant type: single nucleotide variant.
Coding change: c.81059G>A on transcript NM_001267550.2 (MANE Select); coding-DNA position 81059, G replaced by A.
Protein change: p.Trp27020Ter; replaces tryptophan 27020 with a stop codon.
Molecular consequence: nonsense.
Genome position (GRCh38, 1-based): chr2:178,565,073, C>T on the plus strand (G>A on the coding strand, the complement: TTN is on the minus strand). VCF-style: chr2-178565073-C-T. GRCh37 (hg19) VCF-style: chr2-179429800-C-T.
Other names: c.76136G>A, p.Trp25379Ter (NM_001256850.1); c.53864G>A, p.Trp17955Ter (NM_003319.4); c.73355G>A, p.Trp24452Ter (NM_133378.4); c.54239G>A, p.Trp18080Ter (NM_133432.3); c.54440G>A, p.Trp18147Ter (NM_133437.4); short protein forms W17955*, W27020*, W18080*, W24452*, W18147*, W25379*.
Identifiers: ClinVar variation 2942215 (VCV002942215.3), dbSNP rs2468231180, ClinGen allele CA349584078.
Genomic context (GRCh38, chr2:178,565,073, plus strand): 5'-CCTGTTTTCAGTTTGGTTATTTTAATTGTTGTTCTTGCAACTGTTGCTGATACCATGTGC[C>T]AAGTGGTGGTGGTTGTATCTCGCTTCTCTACAATGTAGTTGCTTATTTGGCAGCCACCAG-3'

ClinVar aggregate classification (germline): Likely pathogenic (1 of 4 stars; one submission).

Conditions:
Dilated cardiomyopathy 1G (CMD1G). Identifiers: Orphanet 154, MedGen C1858763, MONDO:0011400, OMIM 604145.
Autosomal recessive limb-girdle muscular dystrophy type 2J (LGMDR10). Also called: MUSCULAR DYSTROPHY, LIMB-GIRDLE, AUTOSOMAL RECESSIVE 10; Limb-girdle muscular dystrophy, type 2J. Identifiers: Orphanet 140922, MedGen C1837342, MONDO:0012127, OMIM 608807.

Submission:

Labcorp Genetics (formerly Invitae), Labcorp
Classification: Likely pathogenic for Dilated cardiomyopathy 1G; Autosomal recessive limb-girdle muscular dystrophy type 2J. Last evaluated: 2022-12-11. Review status: criteria provided, single submitter. Criteria: Invitae Variant Classification Sherloc (09022015). Collection method: clinical testing. Allele origin: germline.
Comment: In summary, the currently available evidence indicates that the variant is pathogenic, but additional data are needed to prove that conclusively. Therefore, this variant has been classified as Likely Pathogenic. This variant is located in the A band of TTN (PMID: 25589632). Truncating variants in this region are significantly overrepresented in patients affected with dilated cardiomyopathy (PMID: 25589632). Truncating variants in this region have also been reported in individuals affected with autosomal recessive centronuclear myopathy (PMID: 23975875). This variant has not been reported in the literature in individuals affected with TTN-related conditions. This variant is not present in population databases (gnomAD no frequency). This sequence change creates a premature translational stop signal (p.Trp27020*) in the TTN gene. While this is not anticipated to result in nonsense mediated decay, it is expected to create a truncated TTN protein.

Literature cited by the submitters: PubMed 25589632; PubMed 23975875.